The following is an entry in ClinVar:

NM_000465.4(BARD1):c.1016G>C (p.Ser339Thr)

Gene: BARD1 (BRCA1 associated RING domain 1; minus strand). Cytogenetic location: 2q35.
Variant type: single nucleotide variant.
Coding change: c.1016G>C on transcript NM_000465.4 (MANE Select); coding-DNA position 1016, G replaced by C.
Protein change: p.Ser339Thr; replaces serine 339 with threonine.
Molecular consequence: missense variant. On other transcripts: non-coding transcript variant (2), intron variant (3).
Genome position (GRCh38, 1-based): chr2:214,780,858, C>G on the plus strand (G>C on the coding strand, the complement: BARD1 is on the minus strand). VCF-style: chr2-214780858-C-G. GRCh37 (hg19) VCF-style: chr2-215645582-C-G.
Other names: c.959G>C, p.Ser320Thr (NM_001282543.2); c.159-28303G>C (NM_001282548.2); c.215+16203G>C (NM_001282545.2); c.364+11439G>C (NM_001282549.2); c.1016G>C (NM_000465.2); short protein forms S339T, S320T.
Identifiers: ClinVar variation 460685 (VCV000460685.15), dbSNP rs201261729, ClinGen allele CA2090347.

ClinVar aggregate classification (germline): Conflicting classifications of pathogenicity. Review status: criteria provided, conflicting classifications (1 of 4 stars). 3 submissions from 3 submitters: Uncertain significance (2); Likely benign (1). Last evaluated 2025-01-21.

Conditions:
Familial cancer of breast. Also called: BREAST CANCER, FAMILIAL; hereditary breast carcinoma; Hereditary breast cancer. Identifiers: Orphanet 227535, MedGen C0346153, MONDO:0016419, OMIM 114480. Disease mechanism: loss of function.
Hereditary cancer-predisposing syndrome. Also called: Neoplastic Syndromes, Hereditary; Tumor predisposition; Hereditary Cancer Syndrome; Hereditary neoplastic syndrome. Identifiers: Orphanet 140162, MedGen C0027672, MeSH D009386, MONDO:0015356.

gnomAD v4.1: 2 of 1,614,104 alleles (0.00012%); highest among the groups gnomAD compares: Middle Eastern, 0.033%; no homozygotes.

Submissions (3):

Labcorp Genetics (formerly Invitae), Labcorp
Classification: Uncertain significance for Familial cancer of breast. Last evaluated: 2025-01-21. Review status: criteria provided, single submitter. Criteria: Invitae Variant Classification Sherloc (09022015). Collection method: clinical testing. Allele origin: germline.
Comment: This sequence change replaces serine, which is neutral and polar, with threonine, which is neutral and polar, at codon 339 of the BARD1 protein (p.Ser339Thr). This variant is present in population databases (rs201261729, gnomAD 0.0009%). This variant has not been reported in the literature in individuals affected with BARD1-related conditions. ClinVar contains an entry for this variant (Variation ID: 460685). An algorithm developed to predict the effect of missense changes on protein structure and function (PolyPhen-2) suggests that this variant¬†is likely to be tolerated. Experimental studies have shown that this missense change does not substantially affect BARD1 function (PMID: 30925164). In summary, the available evidence is currently insufficient to determine the role of this variant in disease. Therefore, it has been classified as a Variant of Uncertain Significance.

Ambry Genetics
Classification: Likely benign for Hereditary cancer-predisposing syndrome. Last evaluated: 2021-12-14. Review status: criteria provided, single submitter. Criteria: Ambry Variant Classification Scheme 2023. Collection method: clinical testing. Allele origin: germline.

Color Diagnostics, LLC DBA Color Health
Classification: Uncertain significance for Hereditary cancer-predisposing syndrome. Last evaluated: 2020-01-13. Review status: criteria provided, single submitter. Criteria: ACMG Guidelines, 2015. Collection method: clinical testing. Allele origin: germline.
Comment: This missense variant replaces serine with threonine at codon 339 of the BARD1 protein. Computational prediction suggests that this variant may not impact protein structure and function (internally defined REVEL score threshold <= 0.5, PMID: 27666373). Splice site prediction tools suggest that this variant may not impact RNA splicing. An experimental functional study has shown this variant to be neutral in a homology directed recombination (HDR) assay (PMID: 30925164). This variant has not been reported in individuals affected with hereditary cancer in the literature. This variant has been identified in 1/251180 chromosomes in the general population by the Genome Aggregation Database (gnomAD). The available evidence is insufficient to determine the role of this variant in disease conclusively. Therefore, this variant is classified as a Variant of Uncertain Significance.

Literature cited by the submitters: PubMed 30925164 (cited by Labcorp Genetics (formerly Invitae), Labcorp and Ambry Genetics).